The following is an entry in ClinVar:

ClinVar aggregate classification (germline): Uncertain significance (1 of 4 stars; one submission).

Conditions:
Inborn genetic diseases. Identifiers: MedGen C0950123, MeSH D030342.

Submission:

Ambry Genetics
Classification: Uncertain significance for Inborn genetic diseases. Last evaluated: 2025-02-20. Review status: criteria provided, single submitter. Criteria: Ambry Variant Classification Scheme 2023. Collection method: clinical testing. Allele origin: germline.
Comment: The p.S628I variant (also known as c.1883G>T), located in coding exon 22 of the RTEL1 gene, results from a G to T substitution at nucleotide position 1883. The serine at codon 628 is replaced by isoleucine, an amino acid with dissimilar properties. This amino acid position is conserved. In addition, this alteration is predicted to be deleterious by in silico analysis. Based on the available evidence, the clinical significance of this variant remains unclear.

NM_001283009.2(RTEL1):c.1883G>T (p.Ser628Ile)

Genes: RTEL1 (regulator of telomere elongation helicase 1; plus strand), RTEL1-TNFRSF6B (RTEL1-TNFRSF6B readthrough (NMD candidate); plus strand). Cytogenetic location: 20q13.33.
Variant type: single nucleotide variant.
Coding change: c.1883G>T on transcript NM_001283009.2 (MANE Select); coding-DNA position 1883, G replaced by T.
Protein change: p.Ser628Ile; replaces serine 628 with isoleucine.
Molecular consequence: missense variant. On other transcripts: non-coding transcript variant (1).
Genome position (GRCh38, 1-based): chr20:63,689,506, G>T. VCF-style: chr20-63689506-G-T. GRCh37 (hg19) VCF-style: chr20-62320859-G-T.
Other names: c.1214G>T, p.Ser405Ile (NM_001283010.1); c.1883G>T, p.Ser628Ile (NM_016434.4); c.1955G>T, p.Ser652Ile (NM_032957.5); short protein forms S405I, S652I, S628I.
Identifiers: ClinVar variation 3791166 (VCV003791166.1).